The following is an entry in ClinVar:

ClinVar aggregate classification (germline): Uncertain significance. Review status: criteria provided, multiple submitters, no conflicts (2 of 4 stars). 2 submissions from 2 submitters: Uncertain significance (2). Last evaluated 2025-01-23.

Conditions:
Hereditary cancer-predisposing syndrome. Also called: Hereditary neoplastic syndrome; Neoplastic Syndromes, Hereditary; Tumor predisposition; Hereditary Cancer Syndrome. Identifiers: Orphanet 140162, MedGen C0027672, MeSH D009386, MONDO:0015356.
Fanconi anemia complementation group J. Also called: BRIP1-Related Fanconi Anemia. Identifiers: Orphanet 84, MedGen C1836860, MONDO:0012187, OMIM 609054.
Familial cancer of breast. Also called: BREAST CANCER, FAMILIAL; Hereditary breast cancer; hereditary breast carcinoma. Identifiers: Orphanet 227535, MedGen C0346153, MONDO:0016419, OMIM 114480. Disease mechanism: loss of function.

Allele frequency attached by ClinVar (database versions not stated): gnomAD exomes below 0.00001; gnomAD 0.00001.
gnomAD v4.1: 3 of 1,613,806 alleles (0.00019%); highest among the groups gnomAD compares: Admixed American, 0.005%; no homozygotes.

Submissions (2):

Labcorp Genetics (formerly Invitae), Labcorp
Classification: Uncertain significance for Familial cancer of breast; Fanconi anemia complementation group J. Last evaluated: 2025-01-23. Review status: criteria provided, single submitter. Criteria: Invitae Variant Classification Sherloc (09022015). Collection method: clinical testing. Allele origin: germline.
Comment: This sequence change replaces valine, which is neutral and non-polar, with leucine, which is neutral and non-polar, at codon 891 of the BRIP1 protein (p.Val891Leu). This variant is present in population databases (no rsID available, gnomAD 0.003%). This variant has not been reported in the literature in individuals affected with BRIP1-related conditions. ClinVar contains an entry for this variant (Variation ID: 481656). Invitae Evidence Modeling of protein sequence and biophysical properties (such as structural, functional, and spatial information, amino acid conservation, physicochemical variation, residue mobility, and thermodynamic stability) indicates that this missense variant is not expected to disrupt BRIP1 protein function with a negative predictive value of 95%. In summary, the available evidence is currently insufficient to determine the role of this variant in disease. Therefore, it has been classified as a Variant of Uncertain Significance.

Ambry Genetics
Classification: Uncertain significance for Hereditary cancer-predisposing syndrome. Last evaluated: 2024-09-26. Review status: criteria provided, single submitter. Criteria: Ambry Variant Classification Scheme 2023. Collection method: clinical testing. Allele origin: germline.
Comment: The p.V891L variant (also known as c.2671G>C), located in coding exon 18 of the BRIP1 gene, results from a G to C substitution at nucleotide position 2671. The valine at codon 891 is replaced by leucine, an amino acid with highly similar properties. This amino acid position is not well conserved in available vertebrate species. In addition, this alteration is predicted to be tolerated by in silico analysis. Since supporting evidence is limited at this time, the clinical significance of this alteration remains unclear.

NM_032043.3(BRIP1):c.2671G>C (p.Val891Leu)

Gene: BRIP1 (BRCA1 interacting DNA helicase 1; minus strand). Cytogenetic location: 17q23.2.
Variant type: single nucleotide variant.
Coding change: c.2671G>C on transcript NM_032043.3 (MANE Select); coding-DNA position 2671, G replaced by C.
Protein change: p.Val891Leu; replaces valine 891 with leucine.
Molecular consequence: missense variant.
Genome position (GRCh38, 1-based): chr17:61,686,070, C>G on the plus strand (G>C on the coding strand, the complement: BRIP1 is on the minus strand). VCF-style: chr17-61686070-C-G. GRCh37 (hg19) VCF-style: chr17-59763431-C-G.
Other names: short protein forms V891L.
Identifiers: ClinVar variation 481656 (VCV000481656.16), dbSNP rs754224663, ClinGen allele CA400481812.